The following is an entry in ClinVar:

ClinVar aggregate classification (germline): Uncertain significance. Review status: criteria provided, multiple submitters, no conflicts (2 of 4 stars). 2 submissions from 2 submitters: Uncertain significance (2). Last evaluated 2025-02-25.

Conditions:
Inborn genetic diseases. Identifiers: MedGen C0950123, MeSH D030342.
Bethlem myopathy 1A. Also called: MYOPATHY, BENIGN CONGENITAL, WITH CONTRACTURES; Bethlem myopathy 1; Bethlem Muscular Dystrophy. Identifiers: Orphanet 610, MedGen CN029274, MONDO:0024530, OMIM 158810.

gnomAD v4.1: 6 of 1,594,426 alleles (0.00038%); highest among the groups gnomAD compares: Middle Eastern, 0.017%; no homozygotes.

Submissions (2):

Ambry Genetics
Classification: Uncertain significance for Inborn genetic diseases. Last evaluated: 2025-02-25. Review status: criteria provided, single submitter. Criteria: Ambry Variant Classification Scheme 2023. Collection method: clinical testing. Allele origin: germline.

Labcorp Genetics (formerly Invitae), Labcorp
Classification: Uncertain significance for Bethlem myopathy 1A. Last evaluated: 2024-05-21. Review status: criteria provided, single submitter. Criteria: Invitae Variant Classification Sherloc (09022015). Collection method: clinical testing. Allele origin: germline.
Comment: This sequence change replaces glutamine, which is neutral and polar, with proline, which is neutral and non-polar, at codon 909 of the COL6A2 protein (p.Gln909Pro). This variant is present in population databases (no rsID available, gnomAD 0.001%). This variant has not been reported in the literature in individuals affected with COL6A2-related conditions. Advanced modeling of protein sequence and biophysical properties (such as structural, functional, and spatial information, amino acid conservation, physicochemical variation, residue mobility, and thermodynamic stability) performed at Invitae indicates that this missense variant is not expected to disrupt COL6A2 protein function with a negative predictive value of 80%. In summary, the available evidence is currently insufficient to determine the role of this variant in disease. Therefore, it has been classified as a Variant of Uncertain Significance.

NM_001849.4(COL6A2):c.2726A>C (p.Gln909Pro)

Gene: COL6A2 (collagen type VI alpha 2 chain; plus strand). Cytogenetic location: 21q22.3.
Variant type: single nucleotide variant.
Coding change: c.2726A>C on transcript NM_001849.4 (MANE Select); coding-DNA position 2726, A replaced by C.
Protein change: p.Gln909Pro; replaces glutamine 909 with proline.
Molecular consequence: missense variant.
Genome position (GRCh38, 1-based): chr21:46,132,218, A>C. VCF-style: chr21-46132218-A-C. GRCh37 (hg19) VCF-style: chr21-47552132-A-C.
Other names: short protein forms Q909P.
Identifiers: ClinVar variation 3012518 (VCV003012518.4), dbSNP rs1388870931, ClinGen allele CA410549299.